The following is an entry in ClinVar:

ClinVar aggregate classification (germline): Uncertain significance (1 of 4 stars; one submission).

Allele frequency attached by ClinVar (database versions not stated): gnomAD exomes 0.00008; ESP Exome Variant Server 0.00015; TOPMed 0.00002; gnomAD 0.00003; ExAC 0.00017.
gnomAD v4.1: 113 of 1,603,574 alleles (0.007%); highest among the groups gnomAD compares: South Asian, 0.09%; 3 homozygotes.

Submission:

Labcorp Genetics (formerly Invitae), Labcorp
Classification: Uncertain significance. Last evaluated: 2024-09-03. Review status: criteria provided, single submitter. Criteria: Invitae Variant Classification Sherloc (09022015). Collection method: clinical testing. Allele origin: germline.
Comment: This sequence change falls in intron 22 of the RAB3GAP1 gene. It does not directly change the encoded amino acid sequence of the RAB3GAP1 protein. It affects a nucleotide within the consensus splice site. This variant is present in population databases (rs367775359, gnomAD 0.07%). This variant has not been reported in the literature in individuals affected with RAB3GAP1-related conditions. ClinVar contains an entry for this variant (Variation ID: 2179159). Variants that disrupt the consensus splice site are a relatively common cause of aberrant splicing (PMID: 17576681, 9536098). Algorithms developed to predict the effect of sequence changes on RNA splicing suggest that this variant is not likely to affect RNA splicing. In summary, the available evidence is currently insufficient to determine the role of this variant in disease. Therefore, it has been classified as a Variant of Uncertain Significance.

Literature cited by the submitters: PubMed 17576681; PubMed 9536098.

NM_012233.3(RAB3GAP1):c.2606+4A>G

Gene: RAB3GAP1 (RAB3 GTPase activating protein catalytic subunit 1; plus strand). Cytogenetic location: 2q21.3.
Variant type: single nucleotide variant.
Coding change: c.2606+4A>G on transcript NM_012233.3 (MANE Select); 4 bases into the intron after coding-DNA position 2606, A replaced by G.
Molecular consequence: intron variant.
Genome position (GRCh38, 1-based): chr2:135,163,105, A>G. VCF-style: chr2-135163105-A-G. GRCh37 (hg19) VCF-style: chr2-135920675-A-G.
Other names: c.2606+4A>G (NM_001172435.2).
Identifiers: ClinVar variation 2179159 (VCV002179159.3), dbSNP rs367775359, ClinGen allele CA1885114.